The following is an entry in ClinVar:

NM_001114.5(ADCY7):c.255C>T (p.Val85=)

Gene: ADCY7 (adenylate cyclase 7; plus strand). Cytogenetic location: 16q12.1.
Variant type: single nucleotide variant.
Coding change: c.255C>T on transcript NM_001114.5 (MANE Select); coding-DNA position 255, C replaced by T.
Protein change: p.Val85=; no amino-acid change (valine 85 retained).
Molecular consequence: synonymous variant.
Genome position (GRCh38, 1-based): chr16:50,290,540, C>T. VCF-style: chr16-50290540-C-T. GRCh37 (hg19) VCF-style: chr16-50324451-C-T.
Other names: c.255C>T, p.Val85= (NM_001286057.2).
Identifiers: ClinVar variation 2646505 (VCV002646505.24), dbSNP rs370188137, ClinGen allele CA8048315.
Genomic context (GRCh38, chr16:50,290,540, plus strand): 5'-TCTGGGCATGGCGTTCCTGGTGCTGGCGGTGTTTGCGGCCCTCTCTGTGCTGATGTACGT[C>T]GAGTGTCTCCTGCGGCGCTGGCTCAGGGCCTTGGCGCTGCTCACCTGGGCCTGCTTGGTG-3'
Protein context (NP_001105.1, residues 75-95): VFAALSVLMY[Val85=]ECLLRRWLRA

ClinVar aggregate classification (germline): Likely benign (1 of 4 stars; one submission).

Allele frequency attached by ClinVar (database versions not stated): TOPMed below 0.00001; gnomAD exomes 0.00002; gnomAD 0.00003; ExAC 0.00007; ESP Exome Variant Server 0.00008; 1000 Genomes Project 30x 0.00016; 1000 Genomes Project 0.00020.
gnomAD v4.1: 36 of 1,614,194 alleles (0.0022%); highest among the groups gnomAD compares: South Asian, 0.016%; 1 homozygote.

Submission:

CeGaT Center for Human Genetics Tuebingen
Classification: Likely benign. Last evaluated: 2022-07-01. Review status: criteria provided, single submitter. Criteria: CeGaT Center For Human Genetics Tuebingen Variant Classification Criteria Version 2. Collection method: clinical testing. Allele origin: germline. Affected: yes. Observed: 1 variant allele.
Comment: ADCY7: BP4, BP7